The following is an entry in ClinVar:

NM_000384.3(APOB):c.10225A>G (p.Ser3409Gly)

Gene: APOB (apolipoprotein B; minus strand). Cytogenetic location: 2p24.1.
Variant type: single nucleotide variant.
Coding change: c.10225A>G on transcript NM_000384.3 (MANE Select); coding-DNA position 10225, A replaced by G.
Protein change: p.Ser3409Gly; replaces serine 3409 with glycine.
Molecular consequence: missense variant.
Genome position (GRCh38, 1-based): chr2:21,006,643, T>C on the plus strand (A>G on the coding strand, the complement: APOB is on the minus strand). VCF-style: chr2-21006643-T-C. GRCh37 (hg19) VCF-style: chr2-21229515-T-C.
Other names: short protein forms S3409G.
Identifiers: ClinVar variation 3231345 (VCV003231345.1), dbSNP rs2465360482, ClinGen allele CA345986995.

ClinVar aggregate classification (germline): Uncertain significance (1 of 4 stars; one submission).

Conditions:
Cardiovascular phenotype. Identifiers: MedGen CN230736.

Allele frequency attached by ClinVar (database versions not stated): gnomAD exomes below 0.00001.
gnomAD v4.1: 5 of 1,614,118 alleles (0.00031%); highest among the groups gnomAD compares: African/African-American, 0.004%; no homozygotes.

Submission:

Ambry Genetics
Classification: Uncertain significance for Cardiovascular phenotype. Last evaluated: 2024-03-11. Review status: criteria provided, single submitter. Criteria: Ambry Variant Classification Scheme 2023. Collection method: clinical testing. Allele origin: germline.
Comment: The p.S3409G variant (also known as c.10225A>G), located in coding exon 26 of the APOB gene, results from an A to G substitution at nucleotide position 10225. The serine at codon 3409 is replaced by glycine, an amino acid with similar properties. This amino acid position is conserved. In addition, this alteration is predicted to be tolerated by in silico analysis. Based on the available evidence, the clinical significance of this alteration remains unclear.